The following is an entry in ClinVar:

ClinVar aggregate classification (germline): Uncertain significance (1 of 4 stars; one submission).

Submission:

GeneDx
Classification: Uncertain significance. Last evaluated: 2023-01-30. Review status: criteria provided, single submitter. Criteria: GeneDx Variant Classification Process June 2021. Collection method: clinical testing. Allele origin: germline. Affected: yes.
Comment: Not observed at significant frequency in large population cohorts (gnomAD); In silico analysis supports that this missense variant does not alter protein structure/function; Has not been previously published as pathogenic or benign to our knowledge

NM_002480.3(PPP1R12A):c.1681G>A (p.Asp561Asn)

Gene: PPP1R12A (protein phosphatase 1 regulatory subunit 12A; minus strand). Cytogenetic location: 12q21.2.
Variant type: single nucleotide variant.
Coding change: c.1681G>A on transcript NM_002480.3 (MANE Select); coding-DNA position 1681, G replaced by A.
Protein change: p.Asp561Asn; replaces aspartic acid 561 with asparagine.
Molecular consequence: missense variant. On other transcripts: intron variant (1).
Genome position (GRCh38, 1-based): chr12:79,806,308, C>T on the plus strand (G>A on the coding strand, the complement: PPP1R12A is on the minus strand). VCF-style: chr12-79806308-C-T. GRCh37 (hg19) VCF-style: chr12-80200088-C-T.
Other names: c.1681G>A, p.Asp561Asn (NM_001143885.2, NM_001244990.2); c.1420G>A, p.Asp474Asn (NM_001143886.2); c.1656-540G>A (NM_001244992.1); short protein forms D474N, D561N.
Identifiers: ClinVar variation 2574269 (VCV002574269.1), dbSNP rs2547907427, ClinGen allele CA385848500.